The following is an entry in ClinVar:

ClinVar aggregate classification (germline): Pathogenic (0 of 4 stars; one submission).

Conditions:
Fanconi anemia complementation group C (FANCC). Also called: Fanconi anemia, group C; FANCC-Related Fanconi Anemia; FANCONI PANCYTOPENIA, TYPE 3; FACC. Identifiers: Orphanet 84, MedGen C3468041, MONDO:0009213, OMIM 227645.

Submission:

Leiden Open Variation Database
Classification: Pathogenic for Fanconi anemia complementation group C. Last evaluated: 2020-02-28. Review status: no assertion criteria provided. Collection method: curation. Allele origin: germline. Affected: yes.
Comment: Curator: Arleen D. Auerbach. Submitter to LOVD: Arleen D. Auerbach.

NC_000009.12:g.(95172148_95240648)_(95240744_95247431)del

Gene: FANCC (FA complementation group C; minus strand). Cytogenetic location: 9q22.32.
Variant type: Deletion.
Identifiers: ClinVar variation 929805 (VCV000929805.1).